The following is an entry in ClinVar:

NM_016341.4(PLCE1):c.1495C>T (p.Arg499Cys)

Gene: PLCE1 (phospholipase C epsilon 1; plus strand). Cytogenetic location: 10q23.33.
Variant type: single nucleotide variant.
Coding change: c.1495C>T on transcript NM_016341.4 (MANE Select); coding-DNA position 1495, C replaced by T.
Protein change: p.Arg499Cys; replaces arginine 499 with cysteine.
Molecular consequence: missense variant.
Genome position (GRCh38, 1-based): chr10:94,171,182, C>T. VCF-style: chr10-94171182-C-T. GRCh37 (hg19) VCF-style: chr10-95930939-C-T.
Other names: c.571C>T, p.Arg191Cys (NM_001165979.2); c.1495C>T, p.Arg499Cys (NM_001288989.2); short protein forms R499C, R191C.
Identifiers: ClinVar variation 301699 (VCV000301699.16), dbSNP rs61751493, ClinGen allele CA5612404.

ClinVar aggregate classification (germline): Conflicting classifications of pathogenicity. Review status: criteria provided, conflicting classifications (1 of 4 stars). 7 submissions from 7 submitters: Uncertain significance (4); Likely benign (2). 1 of the submissions does not count toward it. Last evaluated 2026-09-01.

Conditions:
PLCE1-related disorder. Also called: PLCE1-related condition.
Nephrotic syndrome, type 3 (NPHS3). Also called: NEPHROTIC SYNDROME, EARLY-ONSET, TYPE 3. Identifiers: Orphanet 656, MedGen C1853124, MONDO:0012546, OMIM 610725.

Allele frequency attached by ClinVar (database versions not stated): 1000 Genomes Project 30x 0.00062; 1000 Genomes Project 0.00080; gnomAD 0.00131 and 0.00134; TOPMed 0.00144; ESP Exome Variant Server 0.00158; gnomAD exomes 0.00170; ExAC 0.00219.
gnomAD v4.1: 3,392 of 1,613,902 alleles (0.21%); highest among the groups gnomAD compares: Non-Finnish European, 0.27%; 3 homozygotes.

Submissions (7):

CeGaT Center for Human Genetics Tuebingen
Classification: Uncertain significance. Last evaluated: 2026-09-01. Review status: criteria provided, single submitter. Criteria: CeGaT Center For Human Genetics Tuebingen Variant Classification Criteria Version 2. Collection method: clinical testing. Allele origin: germline. Affected: yes. Observed: 1 variant allele.

Labcorp Genetics (formerly Invitae), Labcorp
Classification: Likely benign. Last evaluated: 2025-08-12. Review status: criteria provided, single submitter. Criteria: Invitae Variant Classification Sherloc (09022015). Collection method: clinical testing. Allele origin: germline.

Department of Pathology and Laboratory Medicine, Sinai Health System
Classification: Uncertain significance for Nephrotic syndrome, type 3. Last evaluated: 2022-06-03. Review status: criteria provided, single submitter. Criteria: ACMG Guidelines, 2015. Collection method: research. Allele origin: germline.

Illumina Laboratory Services, Illumina
Classification: Likely benign for Nephrotic syndrome, type 3. Last evaluated: 2018-01-13. Review status: criteria provided, single submitter. Criteria: ICSL Variant Classification Criteria 13 December 2019. Collection method: clinical testing. Allele origin: germline.
Comment: This variant was observed in the ICSL laboratory as part of a predisposition screen in an ostensibly healthy population. It had not been previously curated by ICSL or reported in the Human Gene Mutation Database (HGMD: prior to June 1st, 2018), and was therefore a candidate for classification through an automated scoring system. Utilizing variant allele frequency, disease prevalence and penetrance estimates, and inheritance mode, an automated score was calculated to assess if this variant is too frequent to cause the disease. Based on the score and internal cut-off values, a variant classified as likely benign is not then subjected to further curation. The score for this variant resulted in a classification of likely benign for this disease.

Athena Diagnostics
Classification: Uncertain significance. Last evaluated: 2017-08-31. Review status: criteria provided, single submitter. Criteria: Athena Diagnostics Criteria. Collection method: clinical testing. Allele origin: germline.

Center for Pediatric Genomic Medicine, Children's Mercy Hospital and Clinics
Classification: Uncertain significance. Last evaluated: 2017-08-30. Review status: criteria provided, single submitter. Criteria: ACMG Guidelines, 2015. Collection method: clinical testing. Allele origin: germline.

PreventionGenetics, part of Exact Sciences
Classification: Likely benign for PLCE1-related condition. Last evaluated: 2024-03-11. Review status: no assertion criteria provided. Collection method: clinical testing. Allele origin: germline. Not counted in ClinVar's aggregate classification.
Comment: This variant is classified as likely benign based on ACMG/AMP sequence variant interpretation guidelines (Richards et al. 2015 PMID: 25741868, with internal and published modifications).

Literature cited by the submitters: PubMed 24500309 (cited by Athena Diagnostics); PubMed 27766458 (cited by Athena Diagnostics).